The following is an entry in ClinVar:

NM_001103.4(ACTN2):c.1637A>G (p.His546Arg)

Gene: ACTN2 (actinin alpha 2; plus strand). Cytogenetic location: 1q43.
Variant type: single nucleotide variant.
Coding change: c.1637A>G on transcript NM_001103.4 (MANE Select); coding-DNA position 1637, A replaced by G.
Protein change: p.His546Arg; replaces histidine 546 with arginine.
Molecular consequence: missense variant.
Genome position (GRCh38, 1-based): chr1:236,749,245, A>G. VCF-style: chr1-236749245-A-G. GRCh37 (hg19) VCF-style: chr1-236912545-A-G.
Other names: c.1637A>G, p.His546Arg (NM_001278343.2); c.1013A>G, p.His338Arg (NM_001278344.2); short protein forms H546R, H338R.
Identifiers: ClinVar variation 970858 (VCV000970858.8), dbSNP rs1659325362, ClinGen allele CA345385047.

ClinVar aggregate classification (germline): Uncertain significance (1 of 4 stars; one submission).

Conditions:
Primary familial hypertrophic cardiomyopathy (HCM). Identifiers: Orphanet 99739, MedGen C0949658, MeSH D024741, MONDO:0024573. Inheritance: Various modes of inheritance.
Dilated cardiomyopathy 1AA (CMD1AA). Also called: CARDIOMYOPATHY, DILATED, 1AA, WITH OR WITHOUT LEFT VENTRICULAR NONCOMPACTION; CARDIOMYOPATHY, FAMILIAL HYPERTROPHIC, 23, WITH OR WITHOUT LEFT VENTRICULAR NONCOMPACTION; Cardiomyopathy, dilated, 1AA, with or without LVNC. Identifiers: Orphanet 154, MedGen C2677338, MONDO:0012808, OMIM 612158.

Allele frequency attached by ClinVar (database versions not stated): gnomAD exomes below 0.00001.
gnomAD v4.1: 2 of 1,614,200 alleles (0.00012%); highest among the groups gnomAD compares: Non-Finnish European, 0.00017%; no homozygotes.

Submission:

Labcorp Genetics (formerly Invitae), Labcorp
Classification: Uncertain significance for Primary familial hypertrophic cardiomyopathy; Dilated cardiomyopathy 1AA. Last evaluated: 2025-07-01. Review status: criteria provided, single submitter. Criteria: Invitae Variant Classification Sherloc (09022015). Collection method: clinical testing. Allele origin: germline.
Comment: This sequence change replaces histidine, which is basic and polar, with arginine, which is basic and polar, at codon 546 of the ACTN2 protein (p.His546Arg). This variant is not present in population databases (gnomAD no frequency). This variant has not been reported in the literature in individuals affected with ACTN2-related conditions. ClinVar contains an entry for this variant (Variation ID: 970858). Invitae Evidence Modeling of protein sequence and biophysical properties (such as structural, functional, and spatial information, amino acid conservation, physicochemical variation, residue mobility, and thermodynamic stability) indicates that this missense variant is not expected to disrupt ACTN2 protein function with a negative predictive value of 80%. In summary, the available evidence is currently insufficient to determine the role of this variant in disease. Therefore, it has been classified as a Variant of Uncertain Significance.